The following is an entry in ClinVar:

NM_001042492.3(NF1):c.333del (p.Lys111fs)

Gene: NF1 (neurofibromin 1; plus strand). Cytogenetic location: 17q11.2.
Variant type: Deletion.
Coding change: c.333del on transcript NM_001042492.3 (MANE Select); coding-DNA position 333, one base deleted (A; older notation c.333delA).
Protein change: p.Lys111fs; shifts the reading frame from lysine 111.
Molecular consequence: frameshift variant.
Genome position (GRCh38, 1-based): chr17:31,163,230, A deleted; the last of 3 consecutive A bases (chr17:31,163,228-31,163,230); deleting any one gives the same sequence. VCF-style (leftmost placement, unchanged base first): chr17-31163227-CA-C. GRCh37 (hg19) VCF-style: chr17-29490245-CA-C.
Other names: c.333delA, p.Lys111Asnfs (NM_000267.4); c.333del, p.Lys111fs (NM_001128147.3); short protein forms K111fs.
Identifiers: ClinVar variation 803338 (VCV000803338.7), dbSNP rs1597635722, ClinGen allele CA915949707.

ClinVar aggregate classification (germline): Pathogenic. Review status: criteria provided, multiple submitters, no conflicts (2 of 4 stars). 2 submissions from 2 submitters: Pathogenic (2). Last evaluated 2024-04-29.

Conditions:
Neurofibromatosis, type 1 (NF1). Also called: Peripheral type neurofibromatosis; NEUROFIBROMATOSIS, TYPE I, SOMATIC; Neurofibromatosis, type I; VON RECKLINGHAUSEN DISEASE. Identifiers: Orphanet 636, MedGen C0027831, MONDO:0018975, OMIM 162200. Disease mechanism: loss of function.

Submissions (2):

Labcorp Genetics (formerly Invitae), Labcorp
Classification: Pathogenic for Neurofibromatosis, type 1. Last evaluated: 2024-04-29. Review status: criteria provided, single submitter. Criteria: Invitae Variant Classification Sherloc (09022015). Collection method: clinical testing. Allele origin: germline.
Comment: This sequence change creates a premature translational stop signal (p.Lys111Asnfs*54) in the NF1 gene. It is expected to result in an absent or disrupted protein product. Loss-of-function variants in NF1 are known to be pathogenic (PMID: 10712197, 23913538). This variant is not present in population databases (gnomAD no frequency). This premature translational stop signal has been observed in individual(s) with neurofibromatosis type I (PMID: 31201679). ClinVar contains an entry for this variant (Variation ID: 803338). For these reasons, this variant has been classified as Pathogenic.

Mendelics
Classification: Pathogenic for Neurofibromatosis, type 1. Last evaluated: 2019-05-28. Review status: criteria provided, single submitter. Criteria: Mendelics Assertion Criteria 2017. Collection method: clinical testing. Allele origin: unknown.

Literature cited by the submitters: PubMed 10712197 (cited by Labcorp Genetics (formerly Invitae), Labcorp); PubMed 23913538 (cited by Labcorp Genetics (formerly Invitae), Labcorp); PubMed 31201679 (cited by Labcorp Genetics (formerly Invitae), Labcorp).